The following is an entry in ClinVar:

ClinVar aggregate classification (germline): Benign/Likely benign. Review status: criteria provided, multiple submitters, no conflicts (2 of 4 stars). 4 submissions from 4 submitters: Benign (1); Likely benign (2). 1 of the submissions does not count toward it. Last evaluated 2025-12-30.

Conditions:
LRP2-related disorder. Also called: LRP2-related condition.
Donnai-Barrow syndrome. Also called: DBS/FOAR SYNDROME; FACIOOCULOACOUSTICORENAL SYNDROME. Identifiers: Orphanet 2143, MedGen C1857277, MONDO:0009104, OMIM 222448.

Allele frequency attached by ClinVar (database versions not stated): gnomAD exomes 0.00003 and 0.00014; gnomAD 0.00005; TOPMed 0.00006; ExAC 0.00010; 1000 Genomes Project 30x 0.00016; 1000 Genomes Project 0.00020.
gnomAD v4.1: 55 of 1,613,616 alleles (0.0034%); highest among the groups gnomAD compares: East Asian, 0.11%; 1 homozygote.

Submissions (4):

Labcorp Genetics (formerly Invitae), Labcorp
Classification: Benign. Last evaluated: 2025-12-30. Review status: criteria provided, single submitter. Criteria: Invitae Variant Classification Sherloc (09022015). Collection method: clinical testing. Allele origin: germline.

Blueprint Genetics
Classification: Likely benign. Last evaluated: 2024-03-21. Review status: criteria provided, single submitter. Criteria: ACMG Guidelines, 2015. Collection method: clinical testing. Allele origin: germline.

Fulgent Genetics
Classification: Likely benign for Donnai-Barrow syndrome. Last evaluated: 2021-10-16. Review status: criteria provided, single submitter. Criteria: ACMG Guidelines, 2015. Collection method: clinical testing. Allele origin: unknown.

PreventionGenetics, part of Exact Sciences
Classification: Likely benign for LRP2-related condition. Last evaluated: 2019-04-24. Review status: no assertion criteria provided. Collection method: clinical testing. Allele origin: germline. Not counted in ClinVar's aggregate classification.
Comment: This variant is classified as likely benign based on ACMG/AMP sequence variant interpretation guidelines (Richards et al. 2015 PMID: 25741868, with internal and published modifications).

NM_004525.3(LRP2):c.5367G>A (p.Glu1789=)

Gene: LRP2 (LDL receptor related protein 2; minus strand). Cytogenetic location: 2q31.1.
Variant type: single nucleotide variant.
Coding change: c.5367G>A on transcript NM_004525.3 (MANE Select); coding-DNA position 5367, G replaced by A.
Protein change: p.Glu1789=; no amino-acid change (glutamic acid 1789 retained).
Molecular consequence: synonymous variant.
Genome position (GRCh38, 1-based): chr2:169,226,449, C>T on the plus strand (G>A on the coding strand, the complement: LRP2 is on the minus strand). VCF-style: chr2-169226449-C-T. GRCh37 (hg19) VCF-style: chr2-170082959-C-T.
Identifiers: ClinVar variation 759963 (VCV000759963.13), dbSNP rs528249827, ClinGen allele CA1954558.